The following is an entry in ClinVar:

NM_000545.8(HNF1A):c.607C>A (p.Arg203Ser)

Gene: HNF1A (HNF1 homeobox A; plus strand). Cytogenetic location: 12q24.31.
Variant type: single nucleotide variant.
Coding change: c.607C>A on transcript NM_000545.8 (MANE Select); coding-DNA position 607, C replaced by A.
Protein change: p.Arg203Ser; replaces arginine 203 with serine.
Molecular consequence: missense variant.
Genome position (GRCh38, 1-based): chr12:120,993,600, C>A. VCF-style: chr12-120993600-C-A. GRCh37 (hg19) VCF-style: chr12-121431403-C-A.
Other names: NM_001306179.1:c.607C>A; c.607C>A, p.Arg203Ser (NM_001306179.2); short protein forms R203S.
Identifiers: ClinVar variation 1676706 (VCV001676706.6), dbSNP rs1180119907, ClinGen allele CA386964227.

ClinVar aggregate classification (germline): Pathogenic. Review status: reviewed by expert panel (3 of 4 stars). 3 submissions from 3 submitters: Pathogenic (1). 2 of the submissions do not count toward it. Last evaluated 2022-04-10.

Conditions:
Maturity-onset diabetes of the young (MODY). Also called: Maturity onset diabetes mellitus in young. Identifiers: Orphanet 552, MedGen C0342276, MONDO:0018911, HP:0004904.
Monogenic diabetes. Identifiers: Orphanet 183625, MedGen C3888631, MONDO:0015967.

Submissions (3):

ClinGen Monogenic Diabetes Variant Curation Expert Panel
Classification: Pathogenic for Monogenic diabetes. Last evaluated: 2022-04-10. Review status: reviewed by expert panel. Criteria: ClinGen Diabetes ACMG Specifications v1 1. Collection method: curation. Allele origin: germline. Inheritance: Autosomal dominant inheritance.
Comment: The c.607C>A variant in the HNF1 homeobox A gene, HNF1A, causes an amino acid change of arginine to serine at codon 203 (p.(Arg203Ser)) of NM_000545.8. This variant resides in an amino acid within the HNF1α DNA binding domain that directly binds DNA, which is defined as critical for the protein’s function by the ClinGen MDEP (PM1), and is absent from gnomAD v2.1.1 (PM2_Supporting). Two other missense variants, c.607C>T (p.Arg203Cys) and c.608G>A (p.Arg203His),have been interpreted as pathogenic by the ClinGen MDEP, and p.Arg203Ser has a greater Grantham distance than p.Arg203His (PM5_Strong). This variant is predicted to be deleterious by computational evidence, with a REVEL score of 0.876, which is greater than the MDEP VCEP threshold of 0.70 (PP3). In summary, c.607C>A meets the criteria to be classified as pathogenic for monogenic diabetes. ACMG/AMP criteria applied, as specified by the ClinGen MDEP (specification version 1.1, approved 9/30/21): PM1, PM2_Supporting, PP3, PM5_Strong, PP4_Moderate.

Labcorp Genetics (formerly Invitae), Labcorp
Classification: Uncertain significance. Last evaluated: 2025-11-27. Review status: criteria provided, single submitter. Criteria: Invitae Variant Classification Sherloc (09022015). Collection method: clinical testing. Allele origin: germline. Not counted in ClinVar's aggregate classification.
Comment: This sequence change replaces arginine, which is basic and polar, with serine, which is neutral and polar, at codon 203 of the HNF1A protein (p.Arg203Ser). This variant is not present in population databases (gnomAD no frequency). This missense change has been observed in individual(s) with clinical features of HNF1A-related conditions (PMID: 23348805, 28597946, 36257325; internal data). ClinVar contains an entry for this variant (Variation ID: 1676706). Invitae Evidence Modeling of protein sequence and biophysical properties (such as structural, functional, and spatial information, amino acid conservation, physicochemical variation, residue mobility, and thermodynamic stability) indicates that this missense variant is not expected to disrupt HNF1A protein function with a negative predictive value of 80%. This variant disrupts the p.Arg203 amino acid residue in HNF1A. Other variant(s) that disrupt this residue have been determined to be pathogenic (PMID: 10078571, 31363388). This suggests that this residue is clinically significant, and that variants that disrupt this residue are likely to be disease-causing. In summary, the available evidence is currently insufficient to determine the role of this variant in disease. Therefore, it has been classified as a Variant of Uncertain Significance.

Ambry Genetics
Classification: Likely pathogenic for Maturity-onset diabetes of the young. Last evaluated: 2021-04-01. Review status: criteria provided, single submitter. Criteria: Ambry Variant Classification Scheme 2023. Collection method: clinical testing. Allele origin: germline. Not counted in ClinVar's aggregate classification.
Comment: The p.R203S variant (also known as c.607C>A), located in coding exon 3 of the HNF1A gene, results from a C to A substitution at nucleotide position 607. The arginine at codon 203 is replaced by serine, an amino acid with dissimilar properties. It has also been reported in two maturity-onset diabetes of the young families; however, clinical information was limited (Colclough K et al. Hum Mutat, 2013 May;34:669-85). This amino acid position is highly conserved in available vertebrate species. In addition, this alteration is predicted to be deleterious by in silico analysis. Based on the majority of available evidence to date, this variant is likely to be pathogenic.

Literature cited by the submitters: PubMed 23348805 (cited by Labcorp Genetics (formerly Invitae), Labcorp and Ambry Genetics); PubMed 28597946 (cited by Labcorp Genetics (formerly Invitae), Labcorp and Ambry Genetics); PubMed 36257325 (cited by Labcorp Genetics (formerly Invitae), Labcorp); PubMed 10078571 (cited by Labcorp Genetics (formerly Invitae), Labcorp); PubMed 31363388 (cited by Labcorp Genetics (formerly Invitae), Labcorp); PubMed 27398945 (cited by Ambry Genetics); PubMed 31968686 (cited by Ambry Genetics).